The following is an entry in ClinVar:

NM_017551.3(GRID1):c.190A>G (p.Ile64Val)

Gene: GRID1 (glutamate ionotropic receptor delta type subunit 1; minus strand). Cytogenetic location: 10q23.2.
Variant type: single nucleotide variant.
Coding change: c.190A>G on transcript NM_017551.3 (MANE Select); coding-DNA position 190, A replaced by G.
Protein change: p.Ile64Val; replaces isoleucine 64 with valine.
Molecular consequence: missense variant.
Genome position (GRCh38, 1-based): chr10:86,363,986, T>C on the plus strand (A>G on the coding strand, the complement: GRID1 is on the minus strand). VCF-style: chr10-86363986-T-C. GRCh37 (hg19) VCF-style: chr10-88123743-T-C.
Other names: short protein forms I64V.
Identifiers: ClinVar variation 4838966 (VCV004838966.1).
Genomic context (GRCh38, chr10:86,363,986, plus strand): 5'-ACAGCGGTCACTCACCTTCCTGCACAGCCTGGAATGGGTTGTTGGCCTCGATGACCTTGA[T>C]GGAGTAGGTGATCTTCTCGCTCTGCAGGATGTCATCGTTGAGGCTCAGGTCGGATACCGC-3'
Protein context (NP_060021.1, residues 54-74): ILQSEKITYS[Ile64Val]KVIEANNPFQ

ClinVar aggregate classification (germline): Uncertain significance (1 of 4 stars; one submission).

gnomAD v4.1: 4 of 1,614,008 alleles (0.00025%); highest among the groups gnomAD compares: Non-Finnish European, 0.00034%; no homozygotes.

Submission:

Ambry Genetics
Classification: Uncertain significance. Last evaluated: 2025-12-31. Review status: criteria provided, single submitter. Criteria: Ambry Variant Classification Scheme 2023. Collection method: clinical testing. Allele origin: germline.
Comment: The c.190A>G (p.I64V) alteration is located in exon 2 (coding exon 2) of the GRID1 gene. This alteration results from a A to G substitution at nucleotide position 190, causing the isoleucine (I) at amino acid position 64 to be replaced by a valine (V). Based on data from gnomAD, the G allele has an overall frequency of <0.001% (1/251418) total alleles studied. The highest observed frequency was 0.001% (1/113724) of European (non-Finnish) alleles. Based on insufficient or conflicting evidence, the clinical significance of this alteration remains unclear.